The following is an entry in ClinVar:

ClinVar aggregate classification (germline): Likely pathogenic (1 of 4 stars; one submission).

Conditions:
Severe combined immunodeficiency disease. Also called: Severe combined immunodeficiency; Severe Combined Immune Deficiency. Identifiers: Orphanet 183660, MedGen C0085110, MeSH D016511, MONDO:0015974, HP:0004430. Inheritance: X-Linked or Autosomal recessive.

Submission:

Women's Health and Genetics/Laboratory Corporation of America, LabCorp
Classification: Likely pathogenic for Severe combined immunodeficiency disease. Last evaluated: 2022-12-31. Review status: criteria provided, single submitter. Criteria: LabCorp Variant Classification Summary - May 2015. Collection method: clinical testing. Allele origin: germline.
Comment: Variant summary: MTHFD1 c.2629C>T (p.Gln877X) results in a premature termination codon, predicted to cause a truncation of the encoded protein or absence of the protein due to nonsense mediated decay, which are commonly known mechanisms for disease. The variant was absent in 251480 control chromosomes (gnomAD). To our knowledge, no occurrence of c.2629C>T in individuals affected with Severe Combined Immunodeficiency and no experimental evidence demonstrating its impact on protein function have been reported. No clinical diagnostic laboratories have submitted clinical-significance assessments for this variant to ClinVar after 2014. Based on the evidence outlined above, the variant was classified as likely pathogenic.

NM_005956.4(MTHFD1):c.2629C>T (p.Gln877Ter)

Genes: MTHFD1 (methylenetetrahydrofolate dehydrogenase, cyclohydrolase and formyltetrahydrofolate synthetase 1; plus strand), ZBTB25 (zinc finger and BTB domain containing 25; minus strand). Cytogenetic location: 14q23.3.
Variant type: single nucleotide variant.
Coding change: c.2629C>T on transcript NM_005956.4 (MANE Select); coding-DNA position 2629, C replaced by T.
Protein change: p.Gln877Ter; replaces glutamine 877 with a stop codon.
Molecular consequence: nonsense. On other transcripts: intron variant (1).
Genome position (GRCh38, 1-based): chr14:64,454,786, C>T. VCF-style: chr14-64454786-C-T. GRCh37 (hg19) VCF-style: chr14-64921504-C-T.
Other names: c.2629C>T, p.Gln877Ter (NM_001364837.1); c.174-5148G>A (NM_001304508.1); short protein forms Q877*.
Identifiers: ClinVar variation 1878421 (VCV001878421.1), dbSNP rs2550508430, ClinGen allele CA390003573.